The following is an entry in ClinVar:

NM_001378609.3(OTOGL):c.1835G>A (p.Arg612Lys)

Gene: OTOGL (otogelin like; plus strand). Cytogenetic location: 12q21.31.
Variant type: single nucleotide variant.
Coding change: c.1835G>A on transcript NM_001378609.3 (MANE Select); coding-DNA position 1835, G replaced by A.
Protein change: p.Arg612Lys; replaces arginine 612 with lysine.
Molecular consequence: missense variant.
Genome position (GRCh38, 1-based): chr12:80,257,948, G>A. VCF-style: chr12-80257948-G-A. GRCh37 (hg19) VCF-style: chr12-80651728-G-A.
Other names: c.1808G>A (NM_173591.3); c.1835G>A, p.Arg612Lys (NM_001368062.3, NM_001378610.3, NM_173591.7); short protein forms R612K.
Identifiers: ClinVar variation 2187794 (VCV002187794.3), dbSNP rs368864545, ClinGen allele CA6700582.

ClinVar aggregate classification (germline): Uncertain significance. Review status: criteria provided, multiple submitters, no conflicts (2 of 4 stars). 3 submissions from 3 submitters: Uncertain significance (3). Last evaluated 2023-12-13.

Conditions:
Inborn genetic diseases. Identifiers: MedGen C0950123, MeSH D030342.

Allele frequency attached by ClinVar (database versions not stated): TOPMed 0.00001; ExAC 0.00003; gnomAD 0.00003; ESP Exome Variant Server 0.00008.
gnomAD v4.1: 95 of 1,597,920 alleles (0.0059%); highest among the groups gnomAD compares: Non-Finnish European, 0.0075%; no homozygotes.

Submissions (3):

Blueprint Genetics
Classification: Uncertain significance. Last evaluated: 2023-12-13. Review status: criteria provided, single submitter. Criteria: ACMG Guidelines, 2015. Collection method: clinical testing. Allele origin: germline.

Labcorp Genetics (formerly Invitae), Labcorp
Classification: Uncertain significance. Last evaluated: 2022-01-16. Review status: criteria provided, single submitter. Criteria: Invitae Variant Classification Sherloc (09022015). Collection method: clinical testing. Allele origin: germline.
Comment: This sequence change replaces arginine, which is basic and polar, with lysine, which is basic and polar, at codon 603 of the OTOGL protein (p.Arg603Lys). This variant is present in population databases (rs368864545, gnomAD 0.006%). This variant has not been reported in the literature in individuals affected with OTOGL-related conditions. Algorithms developed to predict the effect of missense changes on protein structure and function are either unavailable or do not agree on the potential impact of this missense change (SIFT: "Tolerated"; PolyPhen-2: "Possibly Damaging"; Align-GVGD: "Class C0"). In summary, the available evidence is currently insufficient to determine the role of this variant in disease. Therefore, it has been classified as a Variant of Uncertain Significance.

Ambry Genetics
Classification: Uncertain significance for Inborn genetic diseases. Last evaluated: 2021-09-01. Review status: criteria provided, single submitter. Criteria: Ambry Variant Classification Scheme 2023. Collection method: clinical testing. Allele origin: germline.